The following is an entry in ClinVar:

ClinVar aggregate classification (germline): Uncertain significance. Review status: criteria provided, multiple submitters, no conflicts (2 of 4 stars). 2 submissions from 2 submitters: Uncertain significance (2). Last evaluated 2023-10-25.

Conditions:
Colorectal cancer. Also called: Malignant Colorectal Neoplasm; Colorectal cancer, somatic. Identifiers: MedGen C0346629, MONDO:0005575, OMIM 114500.
Hereditary cancer-predisposing syndrome. Also called: Neoplastic Syndromes, Hereditary; Hereditary neoplastic syndrome; Tumor predisposition; Hereditary Cancer Syndrome. Identifiers: Orphanet 140162, MedGen C0027672, MeSH D009386, MONDO:0015356.

Allele frequency attached by ClinVar (database versions not stated): TOPMed 0.00001.

Submissions (2):

Ambry Genetics
Classification: Uncertain significance for Hereditary cancer-predisposing syndrome. Last evaluated: 2023-10-25. Review status: criteria provided, single submitter. Criteria: Ambry Variant Classification Scheme 2023. Collection method: clinical testing. Allele origin: germline.
Comment: The p.A292V variant (also known as c.875C>T), located in coding exon 2 of the AXIN2 gene, results from a C to T substitution at nucleotide position 875. The alanine at codon 292 is replaced by valine, an amino acid with similar properties. This amino acid position is highly conserved in available vertebrate species. In addition, this alteration is predicted to be deleterious by in silico analysis. Since supporting evidence is limited at this time, the clinical significance of this alteration remains unclear.

Baylor Genetics
Classification: Uncertain significance for Colorectal cancer. Last evaluated: 2023-08-29. Review status: criteria provided, single submitter. Criteria: ACMG Guidelines, 2015. Collection method: clinical testing. Allele origin: unknown.

NM_004655.4(AXIN2):c.875C>T (p.Ala292Val)

Gene: AXIN2 (axin 2; minus strand). Cytogenetic location: 17q24.1.
Variant type: single nucleotide variant.
Coding change: c.875C>T on transcript NM_004655.4 (MANE Select); coding-DNA position 875, C replaced by T.
Protein change: p.Ala292Val; replaces alanine 292 with valine.
Molecular consequence: missense variant.
Genome position (GRCh38, 1-based): chr17:65,549,601, G>A on the plus strand (C>T on the coding strand, the complement: AXIN2 is on the minus strand). VCF-style: chr17-65549601-G-A. GRCh37 (hg19) VCF-style: chr17-63545719-G-A.
Other names: c.875C>T, p.Ala292Val (NM_001363813.1); short protein forms A292V.
Identifiers: ClinVar variation 2679873 (VCV002679873.2), dbSNP rs2044163970, ClinGen allele CA400679589.